The following is an entry in ClinVar:

NM_005419.4(STAT2):c.2450C>T (p.Pro817Leu)

Gene: STAT2 (signal transducer and activator of transcription 2; minus strand). Cytogenetic location: 12q13.3.
Variant type: single nucleotide variant.
Coding change: c.2450C>T on transcript NM_005419.4 (MANE Select); coding-DNA position 2450, C replaced by T.
Protein change: p.Pro817Leu; replaces proline 817 with leucine.
Molecular consequence: missense variant.
Genome position (GRCh38, 1-based): chr12:56,343,495, G>A on the plus strand (C>T on the coding strand, the complement: STAT2 is on the minus strand). VCF-style: chr12-56343495-G-A. GRCh37 (hg19) VCF-style: chr12-56737279-G-A.
Other names: c.2438C>T, p.Pro813Leu (NM_198332.2); short protein forms P813L, P817L.
Identifiers: ClinVar variation 845490 (VCV000845490.9), dbSNP rs768593805, ClinGen allele CA6630247.

ClinVar aggregate classification (germline): Uncertain significance (1 of 4 stars; one submission).

Conditions:
Primary immunodeficiency with post-measles-mumps-rubella vaccine viral infection. Also called: Immunodeficiency 44. Identifiers: Orphanet 431166, MedGen C4225260, MONDO:0014715, OMIM 616636.

Allele frequency attached by ClinVar (database versions not stated): gnomAD 0.00001; gnomAD exomes 0.00001; ExAC 0.00002; TOPMed 0.00002.
gnomAD v4.1: 22 of 1,613,976 alleles (0.0014%); highest among the groups gnomAD compares: African/African-American, 0.0027%; no homozygotes.

Submission:

Labcorp Genetics (formerly Invitae), Labcorp
Classification: Uncertain significance for Primary immunodeficiency with post-measles-mumps-rubella vaccine viral infection. Last evaluated: 2023-04-26. Review status: criteria provided, single submitter. Criteria: Invitae Variant Classification Sherloc (09022015). Collection method: clinical testing. Allele origin: germline.
Comment: This variant is present in population databases (rs768593805, gnomAD 0.01%). In summary, the available evidence is currently insufficient to determine the role of this variant in disease. Therefore, it has been classified as a Variant of Uncertain Significance. Advanced modeling of protein sequence and biophysical properties (such as structural, functional, and spatial information, amino acid conservation, physicochemical variation, residue mobility, and thermodynamic stability) performed at Invitae indicates that this missense variant is not expected to disrupt STAT2 protein function. ClinVar contains an entry for this variant (Variation ID: 845490). This variant has not been reported in the literature in individuals affected with STAT2-related conditions. This sequence change replaces proline, which is neutral and non-polar, with leucine, which is neutral and non-polar, at codon 817 of the STAT2 protein (p.Pro817Leu).